The following is an entry in ClinVar:

ClinVar aggregate classification (germline): Benign. Review status: criteria provided, multiple submitters, no conflicts (2 of 4 stars). 14 submissions from 14 submitters: Benign (9). 5 of the submissions do not count toward it. Last evaluated 2026-09-01.

Conditions:
Autosomal dominant osteopetrosis 1 (OPTA1). Also called: OSTEOPETROSIS, AUTOSOMAL DOMINANT, TYPE I. Identifiers: Orphanet 2783, MedGen C1843330, MONDO:0011877, OMIM 607634.
Polycystic liver disease 4 with or without kidney cysts. Identifiers: MedGen C4693479, MONDO:0044327, OMIM 617875.
Worth disease. Also called: Autosomal dominant osteosclerosis, Worth type; ENDOSTEAL HYPEROSTOSIS, AUTOSOMAL DOMINANT; OSTEOSCLEROSIS, AUTOSOMAL DOMINANT. Identifiers: Orphanet 2790, MedGen C0432273, MONDO:0007764, OMIM 144750.
Exudative vitreoretinopathy 1 (EVR1). Also called: CRISWICK-SCHEPENS SYNDROME; FEVR, AUTOSOMAL DOMINANT; Familial exudative vitreoretinopathy, autosomal dominant. Identifiers: Orphanet 891, Orphanet 90050, MedGen C1851402, MONDO:0007589, OMIM 133780.
Osteoporosis with pseudoglioma (OPPG). Also called: osteoporosis-pseudoglioma syndrome. Identifiers: Orphanet 2788, MedGen C0432252, MONDO:0009820, OMIM 259770.
Exudative vitreoretinopathy 4 (EVR4). Identifiers: Orphanet 891, MedGen C1866176, MONDO:0011151, OMIM 601813.
Osteogenesis imperfecta (OI). Identifiers: Orphanet 666, MedGen C0029434, MeSH D010013, MONDO:0019019.

Allele frequency attached by ClinVar (database versions not stated): 1000 Genomes Project 0.00619; 1000 Genomes Project 30x 0.00656; gnomAD exomes 0.00770; ExAC 0.00790; ESP Exome Variant Server 0.00939; gnomAD 0.00964 and 0.01003; TOPMed 0.00986.
gnomAD v4.1: 17,102 of 1,613,754 alleles (1.1%); highest among the groups gnomAD compares: Non-Finnish European, 1.2%; 121 homozygotes.

Submissions 1 to 28 of 77:

CeGaT Center for Human Genetics Tuebingen
Classification: Benign. Last evaluated: 2026-09-01. Review status: criteria provided, single submitter. Criteria: CeGaT Center For Human Genetics Tuebingen Variant Classification Criteria Version 2. Collection method: clinical testing. Allele origin: germline. Affected: yes. Observed: 25 variant alleles.
Comment: LRP5: BP4, BS1, BS2

Labcorp Genetics (formerly Invitae), Labcorp
Classification: Benign. Last evaluated: 2026-02-02. Review status: criteria provided, single submitter. Criteria: Invitae Variant Classification Sherloc (09022015). Collection method: clinical testing. Allele origin: germline.

Athena Diagnostics
Classification: Benign. Last evaluated: 2025-10-02. Review status: criteria provided, single submitter. Criteria: Athena Diagnostics Criteria. Collection method: clinical testing. Allele origin: unknown.
Comment: The frequency of this variant in the general population is higher than would generally be expected for pathogenic variants in this gene.

Mayo Clinic Laboratories, Mayo Clinic
Classification: Benign. Last evaluated: 2025-09-22. Review status: criteria provided, single submitter. Criteria: ACMG Guidelines, 2015. Collection method: clinical testing. Allele origin: germline. Observed: 5 variant alleles.
Comment: BS1, BS2, BP4

ARUP Laboratories, Molecular Genetics and Genomics, ARUP Laboratories
Classification: Benign. Last evaluated: 2023-09-18. Review status: criteria provided, single submitter. Criteria: ARUP Molecular Germline Variant Investigation Process 2024. Collection method: clinical testing. Allele origin: germline.

Department of Pathology and Laboratory Medicine, Sinai Health System
Classification: Benign for Exudative vitreoretinopathy 1; Worth disease; Osteoporosis with pseudoglioma; Exudative vitreoretinopathy 4; Autosomal dominant osteopetrosis 1; Polycystic liver disease 4 with or without kidney cysts. Last evaluated: 2023-06-15. Review status: criteria provided, single submitter. Criteria: ACMG Guidelines, 2015. Collection method: research. Allele origin: germline.

Genome Diagnostics Laboratory, The Hospital for Sick Children
Classification: Benign for Osteogenesis imperfecta. Last evaluated: 2022-07-18. Review status: criteria provided, single submitter. Criteria: ACMG Guidelines, 2015. Collection method: clinical testing. Allele origin: germline.

GeneDx
Classification: Benign. Last evaluated: 2015-03-03. Review status: criteria provided, single submitter. Criteria: GeneDx Variant Classification Process June 2021. Collection method: clinical testing. Allele origin: germline. Affected: yes.
Comment: This variant is associated with the following publications: (PMID: 16956801)

Eurofins Ntd Llc (ga)
Classification: Benign. Last evaluated: 2014-07-17. Review status: criteria provided, single submitter. Criteria: EGL Classification Definitions 2015. Collection method: clinical testing. Allele origin: germline. Observed: 1 variant allele, 1 heterozygote.

Clinical Genetics DNA and cytogenetics Diagnostics Lab, Erasmus MC, Erasmus Medical Center
Classification: Likely benign. Review status: no assertion criteria provided. Collection method: clinical testing. Allele origin: germline. Affected: yes. Study: VKGL Data-share Consensus. Not counted in ClinVar's aggregate classification.

Clinical Genetics, Academic Medical Center
Classification: Benign. Review status: no assertion criteria provided. Collection method: clinical testing. Allele origin: germline. Affected: yes. Study: VKGL Data-share Consensus. Not counted in ClinVar's aggregate classification.

Dr. Peter K. Rogan Lab, Western University
No classification provided (evidence only). Condition: Clear cell carcinoma of kidney. Review status: no classification provided. Collection method: in vitro. Allele origin: not applicable. Functional consequence: retained intron. Not counted in ClinVar's aggregate classification.

Dr. Peter K. Rogan Lab, Western University
No classification provided (evidence only). Condition: Clear cell carcinoma of kidney. Review status: no classification provided. Collection method: in vitro. Allele origin: not applicable. Functional consequence: retained intron. Not counted in ClinVar's aggregate classification.

Dr. Peter K. Rogan Lab, Western University
No classification provided (evidence only). Condition: Clear cell carcinoma of kidney. Review status: no classification provided. Collection method: in vitro. Allele origin: not applicable. Functional consequence: retained intron. Not counted in ClinVar's aggregate classification.

Dr. Peter K. Rogan Lab, Western University
No classification provided (evidence only). Condition: Clear cell carcinoma of kidney. Review status: no classification provided. Collection method: in vitro. Allele origin: not applicable. Functional consequence: retained intron. Not counted in ClinVar's aggregate classification.

Dr. Peter K. Rogan Lab, Western University
No classification provided (evidence only). Condition: Lung cancer. Review status: no classification provided. Collection method: in vitro. Allele origin: not applicable. Functional consequence: retained intron. Not counted in ClinVar's aggregate classification.

Dr. Peter K. Rogan Lab, Western University
No classification provided (evidence only). Condition: Lung cancer. Review status: no classification provided. Collection method: in vitro. Allele origin: not applicable. Functional consequence: retained intron. Not counted in ClinVar's aggregate classification.

Dr. Peter K. Rogan Lab, Western University
No classification provided (evidence only). Condition: Melanoma. Review status: no classification provided. Collection method: in vitro. Allele origin: not applicable. Functional consequence: retained intron. Not counted in ClinVar's aggregate classification.

Dr. Peter K. Rogan Lab, Western University
No classification provided (evidence only). Condition: Melanoma. Review status: no classification provided. Collection method: in vitro. Allele origin: not applicable. Functional consequence: retained intron. Not counted in ClinVar's aggregate classification.

Dr. Peter K. Rogan Lab, Western University
No classification provided (evidence only). Condition: Melanoma. Review status: no classification provided. Collection method: in vitro. Allele origin: not applicable. Functional consequence: retained intron. Not counted in ClinVar's aggregate classification.

Dr. Peter K. Rogan Lab, Western University
No classification provided (evidence only). Condition: Acute myeloid leukemia. Review status: no classification provided. Collection method: in vitro. Allele origin: not applicable. Functional consequence: retained intron. Not counted in ClinVar's aggregate classification.

Dr. Peter K. Rogan Lab, Western University
No classification provided (evidence only). Condition: Acute myeloid leukemia. Review status: no classification provided. Collection method: in vitro. Allele origin: not applicable. Functional consequence: retained intron. Not counted in ClinVar's aggregate classification.

Dr. Peter K. Rogan Lab, Western University
No classification provided (evidence only). Condition: Acute myeloid leukemia. Review status: no classification provided. Collection method: in vitro. Allele origin: not applicable. Functional consequence: retained intron. Not counted in ClinVar's aggregate classification.

Dr. Peter K. Rogan Lab, Western University
No classification provided (evidence only). Condition: Colorectal cancer. Review status: no classification provided. Collection method: in vitro. Allele origin: not applicable. Functional consequence: retained intron. Not counted in ClinVar's aggregate classification.

Dr. Peter K. Rogan Lab, Western University
No classification provided (evidence only). Condition: Thyroid cancer, nonmedullary, 1. Review status: no classification provided. Collection method: in vitro. Allele origin: not applicable. Functional consequence: retained intron. Not counted in ClinVar's aggregate classification.

Dr. Peter K. Rogan Lab, Western University
No classification provided (evidence only). Condition: Thyroid cancer, nonmedullary, 1. Review status: no classification provided. Collection method: in vitro. Allele origin: not applicable. Functional consequence: retained intron. Not counted in ClinVar's aggregate classification.

Dr. Peter K. Rogan Lab, Western University
No classification provided (evidence only). Condition: Thyroid cancer, nonmedullary, 1. Review status: no classification provided. Collection method: in vitro. Allele origin: not applicable. Functional consequence: retained intron. Not counted in ClinVar's aggregate classification.

Dr. Peter K. Rogan Lab, Western University
No classification provided (evidence only). Condition: Thyroid cancer, nonmedullary, 1. Review status: no classification provided. Collection method: in vitro. Allele origin: not applicable. Functional consequence: retained intron. Not counted in ClinVar's aggregate classification.

NM_002335.4(LRP5):c.4574C>T (p.Ala1525Val)

Gene: LRP5 (LDL receptor related protein 5; plus strand). Cytogenetic location: 11q13.2.
Variant type: single nucleotide variant.
Coding change: c.4574C>T on transcript NM_002335.4 (MANE Select); coding-DNA position 4574, C replaced by T.
Protein change: p.Ala1525Val; replaces alanine 1525 with valine.
Molecular consequence: missense variant.
Genome position (GRCh38, 1-based): chr11:68,446,521, C>T. VCF-style: chr11-68446521-C-T. GRCh37 (hg19) VCF-style: chr11-68213989-C-T.
Other names: c.2831C>T, p.Ala944Val (NM_001291902.2); short protein forms A1525V, A944V.
Identifiers: ClinVar variation 195672 (VCV000195672.71), dbSNP rs1127291, ClinGen allele CA201884.
Genomic context (GRCh38, chr11:68,446,521, plus strand): 5'-CCACGGACCCCTCCCTGTACAACATGGACATGTTCTACTCTTCAAACATTCCGGCCACTG[C>T]GAGACCGTACAGGTAGGACATCCCCTGCAGCCCTCCATGGCCATTGGGTTCCCGCCAGCC-3'
Protein context (NP_002326.2, residues 1515-1535): MFYSSNIPAT[Ala1525Val]RPYRPYIIRG